The following is an entry in ClinVar:

NM_003467.3(CXCR4):c.516C>A (p.Phe172Leu)

Gene: CXCR4 (C-X-C motif chemokine receptor 4; minus strand). Cytogenetic location: 2q22.1.
Variant type: single nucleotide variant.
Coding change: c.516C>A on transcript NM_003467.3 (MANE Select); coding-DNA position 516, C replaced by A.
Protein change: p.Phe172Leu; replaces phenylalanine 172 with leucine.
Molecular consequence: missense variant.
Genome position (GRCh38, 1-based): chr2:136,115,412, G>T on the plus strand (C>A on the coding strand, the complement: CXCR4 is on the minus strand). VCF-style: chr2-136115412-G-T. GRCh37 (hg19) VCF-style: chr2-136872982-G-T.
Other names: c.528C>A, p.Phe176Leu (NM_001008540.2); c.729C>A, p.Phe243Leu (NM_001348056.2); c.615C>A, p.Phe205Leu (NM_001348059.2); c.471C>A, p.Phe157Leu (NM_001348060.2); c.516C>A (NM_003467.2); short protein forms F176L, F205L, F157L, F172L, F243L.
Identifiers: ClinVar variation 1508196 (VCV001508196.7), dbSNP rs764678610, ClinGen allele CA1890110.

ClinVar aggregate classification (germline): Uncertain significance. Review status: criteria provided, multiple submitters, no conflicts (2 of 4 stars). 2 submissions from 2 submitters: Uncertain significance (2). Last evaluated 2025-09-24.

Conditions:
Inborn genetic diseases. Identifiers: MedGen C0950123, MeSH D030342.
Warts, hypogammaglobulinemia, infections, and myelokathexis. Also called: WHIM syndrome. Identifiers: MedGen C0472817, MONDO:0023880.

Allele frequency attached by ClinVar (database versions not stated): ExAC 0.00001; gnomAD 0.00001; gnomAD exomes 0.00002 and 0.00004; TOPMed 0.00002.

Submissions (2):

Ambry Genetics
Classification: Uncertain significance for Inborn genetic diseases. Last evaluated: 2025-09-24. Review status: criteria provided, single submitter. Criteria: Ambry Variant Classification Scheme 2023. Collection method: clinical testing. Allele origin: germline.

Labcorp Genetics (formerly Invitae), Labcorp
Classification: Uncertain significance for Warts, hypogammaglobulinemia, infections, and myelokathexis. Last evaluated: 2024-05-01. Review status: criteria provided, single submitter. Criteria: Invitae Variant Classification Sherloc (09022015). Collection method: clinical testing. Allele origin: germline.
Comment: This sequence change replaces phenylalanine, which is neutral and non-polar, with leucine, which is neutral and non-polar, at codon 172 of the CXCR4 protein (p.Phe172Leu). This variant is present in population databases (rs764678610, gnomAD 0.03%). This variant has not been reported in the literature in individuals affected with CXCR4-related conditions. ClinVar contains an entry for this variant (Variation ID: 1508196). Algorithms developed to predict the effect of missense changes on protein structure and function output the following: SIFT: "Not Available"; PolyPhen-2: "Benign"; Align-GVGD: "Not Available". The leucine amino acid residue is found in multiple mammalian species, which suggests that this missense change does not adversely affect protein function. In summary, the available evidence is currently insufficient to determine the role of this variant in disease. Therefore, it has been classified as a Variant of Uncertain Significance.